The following is an entry in ClinVar:

NM_025179.4(PLXNA2):c.1521C>T (p.Pro507=)

Gene: PLXNA2 (plexin A2; minus strand). Cytogenetic location: 1q32.2.
Variant type: single nucleotide variant.
Coding change: c.1521C>T on transcript NM_025179.4 (MANE Select); coding-DNA position 1521, C replaced by T.
Protein change: p.Pro507=; no amino-acid change (proline 507 retained).
Molecular consequence: synonymous variant.
Genome position (GRCh38, 1-based): chr1:208,103,233, G>A on the plus strand (C>T on the coding strand, the complement: PLXNA2 is on the minus strand). VCF-style: chr1-208103233-G-A. GRCh37 (hg19) VCF-style: chr1-208276578-G-A.
Other names: c.1521C>T (NM_025179.3).
Identifiers: ClinVar variation 1628589 (VCV001628589.10), dbSNP rs201710414, ClinGen allele CA1373814.

ClinVar aggregate classification (germline): Likely benign. Review status: criteria provided, single submitter (1 of 4 stars). 2 submissions from 2 submitters: Likely benign (1). 1 of the submissions does not count toward it. Last evaluated 2024-02-17.

Conditions:
PLXNA2-related disorder. Also called: PLXNA2-related condition.

Allele frequency attached by ClinVar (database versions not stated): gnomAD 0.00002; 1000 Genomes Project 30x 0.00016; gnomAD exomes 0.00018; 1000 Genomes Project 0.00020; ExAC 0.00026.
gnomAD v4.1: 115 of 1,613,544 alleles (0.0071%); highest among the groups gnomAD compares: South Asian, 0.11%; 1 homozygote.

Submissions (2):

Labcorp Genetics (formerly Invitae), Labcorp
Classification: Likely benign. Last evaluated: 2024-02-17. Review status: criteria provided, single submitter. Criteria: Invitae Variant Classification Sherloc (09022015). Collection method: clinical testing. Allele origin: germline.

PreventionGenetics, part of Exact Sciences
Classification: Likely benign for PLXNA2-related condition. Last evaluated: 2022-05-10. Review status: no assertion criteria provided. Collection method: clinical testing. Allele origin: germline. Not counted in ClinVar's aggregate classification.
Comment: This variant is classified as likely benign based on ACMG/AMP sequence variant interpretation guidelines (Richards et al. 2015 PMID: 25741868, with internal and published modifications).